The following is an entry in ClinVar:

NM_153676.4(USH1C):c.2617G>A (p.Val873Met)

Gene: USH1C (USH1 protein network component harmonin; minus strand). Cytogenetic location: 11p15.1.
Variant type: single nucleotide variant.
Coding change: c.2617G>A on transcript NM_153676.4 (MANE Select); coding-DNA position 2617, G replaced by A.
Protein change: p.Val873Met; replaces valine 873 with methionine.
Molecular consequence: missense variant. On other transcripts: intron variant (2).
Genome position (GRCh38, 1-based): chr11:17,495,607, C>T on the plus strand (G>A on the coding strand, the complement: USH1C is on the minus strand). VCF-style: chr11-17495607-C-T. GRCh37 (hg19) VCF-style: chr11-17517154-C-T.
Other names: c.1589+1151G>A (NM_001297764.2); c.1646+1151G>A (NM_005709.4); short protein forms V873M.
Identifiers: ClinVar variation 48010 (VCV000048010.17), dbSNP rs201533059, ClinGen allele CA142363.
Genomic context (GRCh38, chr11:17,495,607, plus strand): 5'-TGTGGCCCGCCTGCCTATTCACCGTGGGCTCCAGCTGCAGGAGGAACCCGTGTCTGTGCA[C>T]GGCAGCACGGTCTTCAAGGAGCTTTCGGACCGGTTGGGGGCTTTCAGCTACGGAGGAGGG-3'
Protein context (NP_710142.1, residues 863-883): VRKLLEDRAA[Val873Met]HRHGFLLQLE

ClinVar aggregate classification (germline): Conflicting classifications of pathogenicity. Review status: criteria provided, conflicting classifications (1 of 4 stars). 5 submissions from 5 submitters: Uncertain significance (1); Likely benign (3). 1 of the submissions does not count toward it. Last evaluated 2024-10-18.

Conditions:
Usher syndrome type 1C. Also called: USHER SYNDROME, TYPE I, ACADIAN VARIETY. Identifiers: Orphanet 231169, Orphanet 886, MedGen C1848604, MONDO:0010171, OMIM 276904.
Autosomal recessive nonsyndromic hearing loss 18A. Also called: DEAFNESS, AUTOSOMAL RECESSIVE 18; Deafness, autosomal recessive 18A. Identifiers: Orphanet 90636, MedGen C1865870, MONDO:0011192, OMIM 602092.

Allele frequency attached by ClinVar (database versions not stated): ESP Exome Variant Server 0.00008; gnomAD exomes 0.00008 and 0.00019; gnomAD 0.00014; TOPMed 0.00016; 1000 Genomes Project 0.00020; ExAC 0.00022; 1000 Genomes Project 30x 0.00031.
gnomAD v4.1: 137 of 1,614,212 alleles (0.0085%); highest among the groups gnomAD compares: Admixed American, 0.062%; no homozygotes.

Submissions (5):

Blueprint Genetics
Classification: Uncertain significance. Last evaluated: 2024-10-18. Review status: criteria provided, single submitter. Criteria: ACMG Guidelines, 2015. Collection method: clinical testing. Allele origin: germline.

Labcorp Genetics (formerly Invitae), Labcorp
Classification: Likely benign. Last evaluated: 2022-01-01. Review status: criteria provided, single submitter. Criteria: Invitae Variant Classification Sherloc (09022015). Collection method: clinical testing. Allele origin: germline.

GeneDx
Classification: Likely benign. Last evaluated: 2020-11-10. Review status: criteria provided, single submitter. Criteria: GeneDx Variant Classification Process June 2021. Collection method: clinical testing. Allele origin: germline. Affected: yes.

Laboratory for Molecular Medicine, Mass General Brigham Personalized Medicine
Classification: Likely benign. Last evaluated: 2012-03-22. Review status: criteria provided, single submitter. Criteria: LMM Criteria. Collection method: clinical testing. Allele origin: germline. Observed: 2 variant alleles.
Comment: Val873Met in exon 26 of USH1C: This variant is has been identified in 1/3738 (0. 02%) of African American chromosomes in a broad population by the NHLBI Exome se quencing project. It is not expected to have clinical significance due to a lack of conservation across species, including m ammals. In addition, computational analyses (PolyPhen2, SIFT, AlignGVGD) do not suggest a high likelihood of impact to the protein.

Counsyl
Classification: Likely benign for Usher syndrome type 1C; Autosomal recessive nonsyndromic hearing loss 18A. Last evaluated: 2017-03-23. Review status: no assertion criteria provided. Collection method: clinical testing. Allele origin: unknown. Not counted in ClinVar's aggregate classification.